The following is an entry in ClinVar:

ClinVar aggregate classification (germline): Uncertain significance (1 of 4 stars; one submission).

Conditions:
Congenital hyperammonemia, type I. Also called: Carbamoyl-phosphate synthase I deficiency; Carbamoyl phosphate synthetase I deficiency disease; Carbamoyl phosphate synthetase 1 deficiency; Hyperammonemia due to carbamoyl phosphate synthetase 1 deficiency; CPS 1 deficiency; Carbamyl phosphate synthetase (CPS) deficiency. Identifiers: Orphanet 147, MedGen C4082171, MONDO:0009376, OMIM 237300.

Submission:

Labcorp Genetics (formerly Invitae), Labcorp
Classification: Uncertain significance for Congenital hyperammonemia, type I. Last evaluated: 2017-06-23. Review status: criteria provided, single submitter. Criteria: Invitae Variant Classification Sherloc (09022015). Collection method: clinical testing. Allele origin: germline.
Comment: This sequence change falls in intron 2 of the CPS1 gene. It does not directly change the encoded amino acid sequence of the CPS1 protein, but it affects a nucleotide within the consensus splice site of the intron. This variant is not present in population databases (ExAC no frequency). This variant has not been reported in the literature in individuals with CPS1-related disease. Nucleotide substitutions within the consensus splice site are relatively common causes of aberrant splicing (PMID: 17576681, 9536098). Algorithms developed to predict the effect of sequence changes on RNA splicing suggest that this variant may disrupt the consensus splice site, but this prediction has not been confirmed by published transcriptional studies. In summary, the available evidence is currently insufficient to determine the role of this variant in disease. Therefore, it has been classified as a Variant of Uncertain Significance.

NM_001875.5(CPS1):c.236+5G>A

Gene: CPS1 (carbamoyl-phosphate synthase 1; plus strand). Cytogenetic location: 2q34.
Variant type: single nucleotide variant.
Coding change: c.236+5G>A on transcript NM_001875.5 (MANE Select); 5 bases into the intron after coding-DNA position 236, G replaced by A.
Molecular consequence: intron variant.
Genome position (GRCh38, 1-based): chr2:210,573,412, G>A. VCF-style: chr2-210573412-G-A. GRCh37 (hg19) VCF-style: chr2-211438136-G-A.
Other names: c.236+5G>A (LRG_336t1, NM_001369257.1, NM_001122633.3); c.269+5G>A (NM_001369256.1).
Identifiers: ClinVar variation 477850 (VCV000477850.1), dbSNP rs1553509024, ClinGen allele CA658657202.